The following is an entry in ClinVar:

ClinVar aggregate classification (germline): Uncertain significance (1 of 4 stars; one submission).

gnomAD v4.1: 1 of 1,613,972 alleles (0.000062%); highest among the groups gnomAD compares: Non-Finnish European, 0.000085%; no homozygotes.

Submission:

Women's Health and Genetics/Laboratory Corporation of America, LabCorp
Classification: Uncertain significance. Last evaluated: 2025-11-13. Review status: criteria provided, single submitter. Criteria: LabCorp Variant Classification Summary - May 2015. Collection method: clinical testing. Allele origin: germline.
Comment: Variant summary: TNRC6B c.793G>T (p.Ala265Ser) results in a conservative amino acid change in the encoded protein sequence. Algorithms developed to predict the effect of missense changes on protein structure and function are either unavailable or do not agree on the potential impact of this missense change. The variant was absent in 249120 control chromosomes. The available data on variant occurrences in the general population are insufficient to allow any conclusion about variant significance. To our knowledge, no occurrence of c.793G>T in individuals affected with TNRC6B-related conditions and no experimental evidence demonstrating its impact on protein function have been reported. No submitters have cited clinical-significance assessments for this variant to ClinVar. Based on the evidence outlined above, the variant was classified as uncertain significance.

NM_001162501.2(TNRC6B):c.793G>T (p.Ala265Ser)

Gene: TNRC6B (trinucleotide repeat containing adaptor 6B; plus strand). Cytogenetic location: 22q13.1.
Variant type: single nucleotide variant.
Coding change: c.793G>T on transcript NM_001162501.2 (MANE Select); coding-DNA position 793, G replaced by T.
Protein change: p.Ala265Ser; replaces alanine 265 with serine.
Molecular consequence: missense variant. On other transcripts: intron variant (1).
Genome position (GRCh38, 1-based): chr22:40,265,023, G>T. VCF-style: chr22-40265023-G-T. GRCh37 (hg19) VCF-style: chr22-40661027-G-T.
Other names: c.793G>T, p.Ala265Ser (NM_015088.3); c.565+2850G>T (NM_001024843.2); short protein forms A265S.
Identifiers: ClinVar variation 4536719 (VCV004536719.1).
Genomic context (GRCh38, chr22:40,265,023, plus strand): 5'-TGCCAGTCTGCAAGTTCTGGGAACGAATGTAATCTTGGGGTCTGGAAATCTGACCCTAAG[G>T]CTAAATCTGTTCAATCTTCCAACTCTACTACAGAGAACAACAATGGACTAGGAAATTGGA-3'
Protein context (NP_001155973.1, residues 255-275): NLGVWKSDPK[Ala265Ser]KSVQSSNSTT